The following is an entry in ClinVar:

ClinVar aggregate classification (germline): Likely pathogenic (1 of 4 stars; one submission).

Submission:

Labcorp Genetics (formerly Invitae), Labcorp
Classification: Likely pathogenic. Last evaluated: 2024-11-19. Review status: criteria provided, single submitter. Criteria: Invitae Variant Classification Sherloc (09022015). Collection method: clinical testing. Allele origin: germline.
Comment: This sequence change replaces methionine, which is neutral and non-polar, with lysine, which is basic and polar, at codon 1115 of the ABCA4 protein (p.Met1115Lys). This variant is not present in population databases (gnomAD no frequency). This variant has not been reported in the literature in individuals affected with ABCA4-related conditions. Invitae Evidence Modeling of protein sequence and biophysical properties (such as structural, functional, and spatial information, amino acid conservation, physicochemical variation, residue mobility, and thermodynamic stability) indicates that this missense variant is expected to disrupt ABCA4 protein function with a positive predictive value of 95%. This variant disrupts the p.Met1115 amino acid residue in ABCA4. Other variant(s) that disrupt this residue have been determined to be pathogenic (PMID: 31212395; internal data). This suggests that this residue is clinically significant, and that variants that disrupt this residue are likely to be disease-causing. In summary, the currently available evidence indicates that the variant is pathogenic, but additional data are needed to prove that conclusively. Therefore, this variant has been classified as Likely Pathogenic.

Literature cited by the submitters: PubMed 31212395.

NM_000350.3(ABCA4):c.3344T>A (p.Met1115Lys)

Gene: ABCA4 (ATP binding cassette subfamily A member 4; minus strand). Cytogenetic location: 1p22.1.
Variant type: single nucleotide variant.
Coding change: c.3344T>A on transcript NM_000350.3 (MANE Select); coding-DNA position 3344, T replaced by A.
Protein change: p.Met1115Lys; replaces methionine 1115 with lysine.
Molecular consequence: missense variant.
Genome position (GRCh38, 1-based): chr1:94,041,387, A>T on the plus strand (T>A on the coding strand, the complement: ABCA4 is on the minus strand). VCF-style: chr1-94041387-A-T. GRCh37 (hg19) VCF-style: chr1-94506943-A-T.
Other names: c.3122T>A, p.Met1041Lys (NM_001425324.1); short protein forms M1115K, M1041K.
Identifiers: ClinVar variation 3718975 (VCV003718975.2).